The following is an entry in ClinVar:

ClinVar aggregate classification (germline): Uncertain significance (1 of 4 stars; one submission).

Conditions:
Desmin-related myofibrillar myopathy (MFM1). Also called: MYOFIBRILLAR MYOPATHY WITH ARRHYTHMOGENIC RIGHT VENTRICULAR CARDIOMYOPATHY; DESMIN-RELATED MYOPATHY WITH ARRHYTHMOGENIC RIGHT VENTRICULAR CARDIOMYOPATHY; Myofibrillar myopathy 1; Desminopathy; Desmin related myopathy (former name); Desmin storage myopathy (former name). Identifiers: Orphanet 363543, Orphanet 98909, MedGen C1832370, MONDO:0011076, OMIM 601419.

Submission:

Labcorp Genetics (formerly Invitae), Labcorp
Classification: Uncertain significance for Desmin-related myofibrillar myopathy. Last evaluated: 2024-05-06. Review status: criteria provided, single submitter. Criteria: Invitae Variant Classification Sherloc (09022015). Collection method: clinical testing. Allele origin: germline.
Comment: This sequence change falls in intron 4 of the DES gene. It does not directly change the encoded amino acid sequence of the DES protein. It affects a nucleotide within the consensus splice site. This variant is not present in population databases (gnomAD no frequency). This variant has not been reported in the literature in individuals affected with DES-related conditions. ClinVar contains an entry for this variant (Variation ID: 853995). Variants that disrupt the consensus splice site are a relatively common cause of aberrant splicing (PMID: 17576681, 9536098). Algorithms developed to predict the effect of sequence changes on RNA splicing suggest that this variant is not likely to affect RNA splicing. In summary, the available evidence is currently insufficient to determine the role of this variant in disease. Therefore, it has been classified as a Variant of Uncertain Significance.

Literature cited by the submitters: PubMed 17576681; PubMed 9536098.

NM_001927.4(DES):c.897+6T>G

Gene: DES (desmin; plus strand). Cytogenetic location: 2q35.
Variant type: single nucleotide variant.
Coding change: c.897+6T>G on transcript NM_001927.4 (MANE Select); 6 bases into the intron after coding-DNA position 897, T replaced by G.
Molecular consequence: intron variant.
Genome position (GRCh38, 1-based): chr2:219,420,662, T>G. VCF-style: chr2-219420662-T-G. GRCh37 (hg19) VCF-style: chr2-220285384-T-G.
Identifiers: ClinVar variation 853995 (VCV000853995.10), dbSNP rs1954422546, ClinGen allele CA916081391.